The following is an entry in ClinVar:

ClinVar aggregate classification (germline): Uncertain significance. Review status: criteria provided, multiple submitters, no conflicts (2 of 4 stars). 3 submissions from 3 submitters: Uncertain significance (3). Last evaluated 2025-12-26.

Conditions:
LRP2-related disorder. Also called: LRP2-related condition.

Allele frequency attached by ClinVar (database versions not stated): gnomAD 0.00001; gnomAD exomes 0.00001; ExAC 0.00002; TOPMed 0.00002; ESP Exome Variant Server 0.00008.
gnomAD v4.1: 21 of 1,613,980 alleles (0.0013%); highest among the groups gnomAD compares: Admixed American, 0.0067%; no homozygotes.

Submissions (3):

PreventionGenetics, part of Exact Sciences
Classification: Uncertain significance for LRP2-related condition. Last evaluated: 2025-12-26. Review status: criteria provided, single submitter. Criteria: ACMG Guidelines, 2015. Collection method: clinical testing. Allele origin: germline.
Comment: The LRP2 c.9913C>T variant is predicted to result in the amino acid substitution p.Arg3305Cys. This variant was reported along with a second potentially causative LRP2 variant in an individual with brain arteriovenous malformation (Zhang et al. 2021. PubMed ID: 32848021). This variant is reported in 0.011% of alleles in individuals of Latino descent in gnomAD. At this time, the clinical significance of this variant is uncertain due to the absence of conclusive functional and genetic evidence.

Labcorp Genetics (formerly Invitae), Labcorp
Classification: Uncertain significance. Last evaluated: 2022-08-10. Review status: criteria provided, single submitter. Criteria: Invitae Variant Classification Sherloc (09022015). Collection method: clinical testing. Allele origin: germline.
Comment: This sequence change replaces arginine, which is basic and polar, with cysteine, which is neutral and slightly polar, at codon 3305 of the LRP2 protein (p.Arg3305Cys). This variant is present in population databases (rs373673298, gnomAD 0.01%). This variant has not been reported in the literature in individuals affected with LRP2-related conditions. Advanced modeling of protein sequence and biophysical properties (such as structural, functional, and spatial information, amino acid conservation, physicochemical variation, residue mobility, and thermodynamic stability) performed at Invitae indicates that this missense variant is expected to disrupt LRP2 protein function. In summary, the available evidence is currently insufficient to determine the role of this variant in disease. Therefore, it has been classified as a Variant of Uncertain Significance.

Blueprint Genetics
Classification: Uncertain significance. Last evaluated: 2021-07-26. Review status: criteria provided, single submitter. Criteria: ACMG Guidelines, 2015. Collection method: clinical testing. Allele origin: germline.

NM_004525.3(LRP2):c.9913C>T (p.Arg3305Cys)

Gene: LRP2 (LDL receptor related protein 2; minus strand). Cytogenetic location: 2q31.1.
Variant type: single nucleotide variant.
Coding change: c.9913C>T on transcript NM_004525.3 (MANE Select); coding-DNA position 9913, C replaced by T.
Protein change: p.Arg3305Cys; replaces arginine 3305 with cysteine.
Molecular consequence: missense variant.
Genome position (GRCh38, 1-based): chr2:169,182,252, G>A on the plus strand (C>T on the coding strand, the complement: LRP2 is on the minus strand). VCF-style: chr2-169182252-G-A. GRCh37 (hg19) VCF-style: chr2-170038762-G-A.
Other names: c.9913C>T (NM_004525.2); short protein forms R3305C.
Identifiers: ClinVar variation 1984187 (VCV001984187.3), dbSNP rs373673298, ClinGen allele CA1953485.
Genomic context (GRCh38, chr2:169,182,252, plus strand): 5'-CTCTGGGATTATCAAAGCAGAAGGTGTTGTTGGCATCCACACAGTGCTGGGCCAGCATGC[G>A]GCGGTGTCCACCATTGAGGTCAGAGACAAAGAGGCCATCCAGGCGGGCATCCAACCAGTA-3'
Protein context (NP_004516.2, residues 3295-3315): FVSDLNGGHR[Arg3305Cys]MLAQHCVDAN